The following is an entry in ClinVar:

ClinVar aggregate classification (germline): Uncertain significance. Review status: criteria provided, multiple submitters, no conflicts (2 of 4 stars). 2 submissions from 2 submitters: Uncertain significance (2). Last evaluated 2025-04-01.

Conditions:
Inborn genetic diseases. Identifiers: MedGen C0950123, MeSH D030342.

gnomAD v4.1: 2 of 1,611,878 alleles (0.00012%); highest among the groups gnomAD compares: Admixed American, 0.0033%; no homozygotes.

Submissions (2):

Ambry Genetics
Classification: Uncertain significance for Inborn genetic diseases. Last evaluated: 2025-04-01. Review status: criteria provided, single submitter. Criteria: Ambry Variant Classification Scheme 2023. Collection method: clinical testing. Allele origin: germline.

Labcorp Genetics (formerly Invitae), Labcorp
Classification: Uncertain significance. Last evaluated: 2022-07-30. Review status: criteria provided, single submitter. Criteria: Invitae Variant Classification Sherloc (09022015). Collection method: clinical testing. Allele origin: germline.
Comment: This sequence change replaces phenylalanine, which is neutral and non-polar, with leucine, which is neutral and non-polar, at codon 307 of the SLC18A3 protein (p.Phe307Leu). This variant is present in population databases (no rsID available, gnomAD 0.006%). This variant has not been reported in the literature in individuals affected with SLC18A3-related conditions. Algorithms developed to predict the effect of missense changes on protein structure and function are either unavailable or do not agree on the potential impact of this missense change (SIFT: "Deleterious"; PolyPhen-2: "Probably Damaging"; Align-GVGD: "Class C15"). In summary, the available evidence is currently insufficient to determine the role of this variant in disease. Therefore, it has been classified as a Variant of Uncertain Significance.

NM_003055.3(SLC18A3):c.921C>G (p.Phe307Leu)

Genes: CHAT (choline O-acetyltransferase; plus strand), SLC18A3 (solute carrier family 18 member A3; plus strand). Cytogenetic location: 10q11.23.
Variant type: single nucleotide variant.
Coding change: c.921C>G on transcript NM_003055.3 (MANE Select); coding-DNA position 921, C replaced by G.
Protein change: p.Phe307Leu; replaces phenylalanine 307 with leucine.
Molecular consequence: missense variant. On other transcripts: intron variant (1).
Genome position (GRCh38, 1-based): chr10:49,611,661, C>G. VCF-style: chr10-49611661-C-G. GRCh37 (hg19) VCF-style: chr10-50819707-C-G.
Other names: c.-69+2462C>G (NM_020984.4); short protein forms F307L.
Identifiers: ClinVar variation 2177140 (VCV002177140.2), dbSNP rs1335474158, ClinGen allele CA376721208.